The following is an entry in ClinVar:

NM_001378778.1(MPDZ):c.1380GAG[1] (p.Arg462del)

Gene: MPDZ (multiple PDZ domain crumbs cell polarity complex component; minus strand). Cytogenetic location: 9p23.
Variant type: Microsatellite.
Coding change: c.1380GAG[1] on transcript NM_001378778.1 (MANE Select); one copy of the 3-base unit GAG starting at c.1380; the reference has two copies in a row; one copy, 3 bases deleted.
Protein change: p.Arg462del; deletes arginine 462.
Molecular consequence: inframe deletion.
Genome position (GRCh38, 1-based): chr9:13,206,005-13,206,007, CTC deleted on the plus strand (GAG on the coding strand, the reverse complement: MPDZ is on the minus strand); deleting any 3 consecutive bases within chr9:13,206,005-13,206,010 gives the same sequence; the position shown is the placement nearest the transcript's 3' end. VCF-style (leftmost placement, unchanged base first): chr9-13206004-TCTC-T. GRCh37 (hg19) VCF-style: chr9-13206003-TCTC-T.
Other names: c.1380GAG[1], p.Arg462del (NM_001261406.2, NM_001261407.2, NM_001330637.2 and 14 more transcripts); short protein forms R462del.
Identifiers: ClinVar variation 1962779 (VCV001962779.5), dbSNP rs1194950205, ClinGen allele CA586226105.

ClinVar aggregate classification (germline): Uncertain significance (1 of 4 stars; one submission).

Submission:

Labcorp Genetics (formerly Invitae), Labcorp
Classification: Uncertain significance. Last evaluated: 2022-04-15. Review status: criteria provided, single submitter. Criteria: Invitae Variant Classification Sherloc (09022015). Collection method: clinical testing. Allele origin: germline.
Comment: Experimental studies and prediction algorithms are not available or were not evaluated, and the functional significance of this variant is currently unknown. In summary, the available evidence is currently insufficient to determine the role of this variant in disease. Therefore, it has been classified as a Variant of Uncertain Significance. This variant has not been reported in the literature in individuals affected with MPDZ-related conditions. This variant is present in population databases (no rsID available, gnomAD 0.006%). This variant, c.1383_1385del, results in the deletion of 1 amino acid(s) of the MPDZ protein (p.Arg462del), but otherwise preserves the integrity of the reading frame.